The following is an entry in ClinVar:

NM_004859.4(CLTC):c.3025G>C (p.Glu1009Gln)

Gene: CLTC (clathrin heavy chain; plus strand). Cytogenetic location: 17q23.1.
Variant type: single nucleotide variant.
Coding change: c.3025G>C on transcript NM_004859.4 (MANE Select); coding-DNA position 3025, G replaced by C.
Protein change: p.Glu1009Gln; replaces glutamic acid 1009 with glutamine.
Molecular consequence: missense variant.
Genome position (GRCh38, 1-based): chr17:59,681,017, G>C. VCF-style: chr17-59681017-G-C. GRCh37 (hg19) VCF-style: chr17-57758378-G-C.
Other names: c.3037G>C, p.Glu1013Gln (NM_001288653.2); short protein forms E1009Q, E1013Q.
Identifiers: ClinVar variation 3646824 (VCV003646824.2).

ClinVar aggregate classification (germline): Uncertain significance (1 of 4 stars; one submission).

Submission:

Labcorp Genetics (formerly Invitae), Labcorp
Classification: Uncertain significance. Last evaluated: 2024-04-16. Review status: criteria provided, single submitter. Criteria: Invitae Variant Classification Sherloc (09022015). Collection method: clinical testing. Allele origin: germline.
Comment: This sequence change replaces glutamic acid, which is acidic and polar, with glutamine, which is neutral and polar, at codon 1013 of the CLTC protein (p.Glu1013Gln). This variant is not present in population databases (gnomAD no frequency). This variant has not been reported in the literature in individuals affected with CLTC-related conditions. Advanced modeling of protein sequence and biophysical properties (such as structural, functional, and spatial information, amino acid conservation, physicochemical variation, residue mobility, and thermodynamic stability) performed at Invitae indicates that this missense variant is expected to disrupt CLTC protein function with a positive predictive value of 80%. In summary, the available evidence is currently insufficient to determine the role of this variant in disease. Therefore, it has been classified as a Variant of Uncertain Significance.